The following is an entry in ClinVar:

NM_004006.3(DMD):c.3753C>T (p.Cys1251=)

Gene: DMD (dystrophin; minus strand). Cytogenetic location: Xp21.1.
Variant type: single nucleotide variant.
Coding change: c.3753C>T on transcript NM_004006.3 (MANE Select); coding-DNA position 3753, C replaced by T.
Protein change: p.Cys1251=; no amino-acid change (cysteine 1251 retained).
Molecular consequence: synonymous variant.
Genome position (GRCh38, 1-based): chrX:32,448,489, G>A on the plus strand (C>T on the coding strand, the complement: DMD is on the minus strand). VCF-style: chrX-32448489-G-A. GRCh37 (hg19) VCF-style: chrX-32466606-G-A.
Other names: c.3753C>T (NM_004006.2); c.3729C>T, p.Cys1243= (NM_000109.4); c.3741C>T, p.Cys1247= (NM_004009.3); c.3384C>T, p.Cys1128= (NM_004010.3).
Identifiers: ClinVar variation 1101868 (VCV001101868.10), dbSNP rs778912710, ClinGen allele CA10379196.

ClinVar aggregate classification (germline): Conflicting classifications of pathogenicity. Review status: criteria provided, conflicting classifications (1 of 4 stars). 2 submissions from 2 submitters: Uncertain significance (1); Likely benign (1). Last evaluated 2024-05-16.

Conditions:
Cardiovascular phenotype. Identifiers: MedGen CN230736.
Duchenne muscular dystrophy (DMD). Also called: Duchenne Muscular Dystrophy (DMD); MUSCULAR DYSTROPHY, PSEUDOHYPERTROPHIC PROGRESSIVE, DUCHENNE TYPE. Identifiers: Orphanet 98896, MedGen C0013264, MONDO:0010679, OMIM 310200.

Allele frequency attached by ClinVar (database versions not stated): gnomAD exomes below 0.00001 and 0.00001; ExAC 0.00001.
gnomAD v4.1: 1 of 1,208,706 alleles (0.000083%); highest among the groups gnomAD compares: South Asian, 0.0018%; no homozygotes.

Submissions (2):

Ambry Genetics
Classification: Uncertain significance for Cardiovascular phenotype. Last evaluated: 2024-05-16. Review status: criteria provided, single submitter. Criteria: Ambry Variant Classification Scheme 2023. Collection method: clinical testing. Allele origin: germline.
Comment: The c.3753C>T variant (also known as p.C1251C), located in coding exon 27 of the DMD gene, results from a C to T substitution at nucleotide position 3753. This nucleotide substitution does not change the cysteine at codon 1251. Based on data from gnomAD, the T allele has an overall frequency of 0.0005% (1/182392) total alleles studied, with 0 hemizygote(s) observed. The highest observed frequency was 0.0053% (1/19040) of South Asian alleles. This nucleotide position is highly conserved in available vertebrate species. In silico splice site analysis for this alteration is inconclusive. Based on the available evidence, the clinical significance of this variant remains unclear.

Labcorp Genetics (formerly Invitae), Labcorp
Classification: Likely benign for Duchenne muscular dystrophy. Last evaluated: 2022-09-12. Review status: criteria provided, single submitter. Criteria: Invitae Variant Classification Sherloc (09022015). Collection method: clinical testing. Allele origin: germline.